The following is an entry in ClinVar:

ClinVar aggregate classification (germline): Uncertain significance (1 of 4 stars; one submission).

Conditions:
Myasthenic syndrome, congenital, 22 (CMS22). Also called: PREPL DEFICIENCY. Identifiers: MedGen C4479088, MONDO:0044299, OMIM 616224.

Allele frequency attached by ClinVar (database versions not stated): TOPMed 0.00003; ExAC 0.00003; gnomAD exomes 0.00003; gnomAD 0.00001.
gnomAD v4.1: 110 of 1,613,952 alleles (0.0068%); highest among the groups gnomAD compares: Non-Finnish European, 0.0092%; no homozygotes.

Submission:

Labcorp Genetics (formerly Invitae), Labcorp
Classification: Uncertain significance for Myasthenic syndrome, congenital, 22. Last evaluated: 2022-08-29. Review status: criteria provided, single submitter. Criteria: Invitae Variant Classification Sherloc (09022015). Collection method: clinical testing. Allele origin: germline.
Comment: This variant is present in population databases (rs757445054, gnomAD 0.005%). This sequence change replaces glutamic acid, which is acidic and polar, with glycine, which is neutral and non-polar, at codon 304 of the PREPL protein (p.Glu304Gly). This variant has not been reported in the literature in individuals affected with PREPL-related conditions. In summary, the available evidence is currently insufficient to determine the role of this variant in disease. Therefore, it has been classified as a Variant of Uncertain Significance. Algorithms developed to predict the effect of missense changes on protein structure and function are either unavailable or do not agree on the potential impact of this missense change (SIFT: "Deleterious"; PolyPhen-2: "Probably Damaging"; Align-GVGD: "Class C0"). ClinVar contains an entry for this variant (Variation ID: 1346720).

NM_001171613.2(PREPL):c.644A>G (p.Glu215Gly)

Gene: PREPL (prolyl endopeptidase like; minus strand). Cytogenetic location: 2p21.
Variant type: single nucleotide variant.
Coding change: c.644A>G on transcript NM_001171613.2 (MANE Select); coding-DNA position 644, A replaced by G.
Protein change: p.Glu215Gly; replaces glutamic acid 215 with glycine.
Molecular consequence: missense variant.
Genome position (GRCh38, 1-based): chr2:44,339,205, T>C on the plus strand (A>G on the coding strand, the complement: PREPL is on the minus strand). VCF-style: chr2-44339205-T-C. GRCh37 (hg19) VCF-style: chr2-44566344-T-C.
Other names: c.911A>G, p.Glu304Gly (NM_001042385.2, NM_001042386.2, NM_001171603.1 and 4 more transcripts); c.644A>G, p.Glu215Gly (NM_001171617.1, NM_001374277.1); short protein forms E304G, E215G.
Identifiers: ClinVar variation 1346720 (VCV001346720.6), dbSNP rs757445054, ClinGen allele CA1641404.